The following is an entry in ClinVar:

ClinVar aggregate classification (germline): Benign (1 of 4 stars; one submission).

Allele frequency attached by ClinVar (database versions not stated): gnomAD exomes 0.00206; gnomAD 0.02075 and 0.02224; TOPMed 0.02372; 1000 Genomes Project 0.02696; 1000 Genomes Project 30x 0.02764.
gnomAD v4.1: 5,172 of 1,097,118 alleles (0.47%); highest among the groups gnomAD compares: African/African-American, 7.3%; 162 homozygotes.

Submission:

GeneDx
Classification: Benign. Last evaluated: 2018-06-14. Review status: criteria provided, single submitter. Criteria: GeneDx Variant Classification (06012015). Collection method: clinical testing. Allele origin: germline. Affected: yes.
Comment: This variant is considered likely benign or benign based on one or more of the following criteria: it is a conservative change, it occurs at a poorly conserved position in the protein, it is predicted to be benign by multiple in silico algorithms, and/or has population frequency not consistent with disease.

NM_014141.6(CNTNAP2):c.402+132T>C

Gene: CNTNAP2 (contactin associated protein 2; plus strand). Cytogenetic location: 7q35.
Variant type: single nucleotide variant.
Coding change: c.402+132T>C on transcript NM_014141.6 (MANE Select); 132 bases into the intron after coding-DNA position 402, T replaced by C.
Molecular consequence: intron variant.
Genome position (GRCh38, 1-based): chr7:146,840,036, T>C. VCF-style: chr7-146840036-T-C. GRCh37 (hg19) VCF-style: chr7-146537128-T-C.
Identifiers: ClinVar variation 677371 (VCV000677371.1), dbSNP rs6953511, ClinGen allele CA168652918.